The following is an entry in ClinVar:

ClinVar aggregate classification (germline): Uncertain significance (1 of 4 stars; one submission).

gnomAD v4.1: 1 of 1,528,696 alleles (0.000065%); highest among the groups gnomAD compares: Non-Finnish European, 0.000088%; no homozygotes.

Submission:

Labcorp Genetics (formerly Invitae), Labcorp
Classification: Uncertain significance. Last evaluated: 2022-03-12. Review status: criteria provided, single submitter. Criteria: Invitae Variant Classification Sherloc (09022015). Collection method: clinical testing. Allele origin: germline.
Comment: In summary, the available evidence is currently insufficient to determine the role of this variant in disease. Therefore, it has been classified as a Variant of Uncertain Significance. Algorithms developed to predict the effect of missense changes on protein structure and function are either unavailable or do not agree on the potential impact of this missense change (SIFT: "Deleterious"; PolyPhen-2: "Benign"; Align-GVGD: "Class C0"). This variant has not been reported in the literature in individuals affected with BCL11B-related conditions. This variant is not present in population databases (gnomAD no frequency). This sequence change replaces alanine, which is neutral and non-polar, with threonine, which is neutral and polar, at codon 22 of the BCL11B protein (p.Ala22Thr).

NM_138576.4(BCL11B):c.64G>A (p.Ala22Thr)

Gene: BCL11B (BCL11 transcription factor B; minus strand). Cytogenetic location: 14q32.2.
Variant type: single nucleotide variant.
Coding change: c.64G>A on transcript NM_138576.4 (MANE Select); coding-DNA position 64, G replaced by A.
Protein change: p.Ala22Thr; replaces alanine 22 with threonine.
Molecular consequence: missense variant.
Genome position (GRCh38, 1-based): chr14:99,257,834, C>T on the plus strand (G>A on the coding strand, the complement: BCL11B is on the minus strand). VCF-style: chr14-99257834-C-T. GRCh37 (hg19) VCF-style: chr14-99724171-C-T.
Other names: c.61G>A, p.Ala21Thr (NM_001282237.2, NM_001282238.2); c.64G>A, p.Ala22Thr (NM_022898.3); short protein forms A21T, A22T.
Identifiers: ClinVar variation 2109796 (VCV002109796.4), dbSNP rs758993384, ClinGen allele CA390939985.